The following is an entry in ClinVar:

NM_000497.4(CYP11B1):c.744del (p.Ser249fs)

Genes: CYP11B1 (cytochrome P450 family 11 subfamily B member 1; minus strand), LOC106799833 (CYP11B1 recombination region; plus strand). Cytogenetic location: 8q24.3.
Variant type: Deletion.
Coding change: c.744del on transcript NM_000497.4 (MANE Select); coding-DNA position 744, one base deleted (C; older notation c.744delC).
Protein change: p.Ser249fs; shifts the reading frame from serine 249.
Molecular consequence: frameshift variant.
Genome position (GRCh38, 1-based): chr8:142,876,737, G deleted on the plus strand (C on the coding strand, the reverse complement: CYP11B1 is on the minus strand); the first of 2 consecutive G bases (chr8:142,876,737-142,876,738); deleting either gives the same sequence. VCF-style (leftmost placement, unchanged base first): chr8-142876736-TG-T. GRCh37 (hg19) VCF-style: chr8-143958152-TG-T.
Other names: c.744del, p.Ser249fs (NM_001026213.1); short protein forms S249fs.
Identifiers: ClinVar variation 5012531 (VCV005012531.1).
Genomic context (GRCh38, chr8:142,876,736, plus strand): 5'-CCTCACCGTACTGGAAGATGCAGTCCCAGGCCTCAAAGTGCTCCTTCCACACCTTGGGGC[TG>T]GTCCAGCGAGACAGGCTCCTGGGCATGAACATGAGCTGGACGGTGGATTTGAACATGACC-3'

ClinVar aggregate classification (germline): Pathogenic (1 of 4 stars; one submission).

Conditions:
Deficiency of steroid 11-beta-monooxygenase (CYP11B1). Also called: ADRENAL HYPERPLASIA, CONGENITAL, DUE TO STEROID 11-BETA-HYDROXYLASE DEFICIENCY; 11-BETA-HYDROXYLASE DEFICIENCY; ADRENAL HYPERPLASIA IV; P450C11B1 DEFICIENCY; STEROID 11-BETA-HYDROXYLASE DEFICIENCY; Congenital adrenal hyperplasia due to 11-beta-hydroxylase deficiency. Identifiers: Orphanet 90795, MedGen C0268292, MONDO:0008729, OMIM 202010. Disease mechanism: loss of function.

Submission:

Myriad Genetics, Inc.
Classification: Pathogenic for Deficiency of steroid 11-beta-monooxygenase. Last evaluated: 2023-12-02. Review status: criteria provided, single submitter. Criteria: Myriad Autosomal Dominant, Autosomal Recessive and X-Linked Classification Criteria (2023). Collection method: clinical testing. Allele origin: unknown.
Comment: NM_000497.3(CYP11B1):c.744delC(S249Afs*47) is expected to be pathogenic in the context of congenital adrenal hyperplasia, CYP11B1-related. This variant is predicted to lead to an abnormal or absent protein product due to the creation of a premature termination codon in CYP11B1, a gene where loss-of-function variants are known to be pathogenic. Please note: this variant was assessed in the context of healthy population screening.